The following is an entry in ClinVar:

NM_005445.4(SMC3):c.2567G>A (p.Gly856Asp)

Gene: SMC3 (structural maintenance of chromosomes 3; plus strand). Cytogenetic location: 10q25.2.
Variant type: single nucleotide variant.
Coding change: c.2567G>A on transcript NM_005445.4 (MANE Select); coding-DNA position 2567, G replaced by A.
Protein change: p.Gly856Asp; replaces glycine 856 with aspartic acid.
Molecular consequence: missense variant.
Genome position (GRCh38, 1-based): chr10:110,601,053, G>A. VCF-style: chr10-110601053-G-A. GRCh37 (hg19) VCF-style: chr10-112360811-G-A.
Other names: short protein forms G856D.
Identifiers: ClinVar variation 1793178 (VCV001793178.2), dbSNP rs745863058, ClinGen allele CA378393175.

ClinVar aggregate classification (germline): Uncertain significance (1 of 4 stars; one submission).

Conditions:
Inborn genetic diseases. Identifiers: MedGen C0950123, MeSH D030342.

Allele frequency attached by ClinVar (database versions not stated): gnomAD 0.00001.
gnomAD v4.1: 1 of 1,613,200 alleles (0.000062%); highest among the groups gnomAD compares: Admixed American, 0.0017%; no homozygotes.

Submission:

Ambry Genetics
Classification: Uncertain significance for Inborn genetic diseases. Last evaluated: 2019-08-08. Review status: criteria provided, single submitter. Criteria: Ambry Variant Classification Scheme 2023. Collection method: clinical testing. Allele origin: germline.
Comment: The p.G856D variant (also known as c.2567G>A), located in coding exon 23 of the SMC3 gene, results from a G to A substitution at nucleotide position 2567. The glycine at codon 856 is replaced by aspartic acid, an amino acid with similar properties. This amino acid position is highly conserved in available vertebrate species. In addition, the in silico prediction for this alteration is inconclusive. Since supporting evidence is limited at this time, the clinical significance of this alteration remains unclear.